The following is an entry in ClinVar:

ClinVar aggregate classification (germline): Uncertain significance (1 of 4 stars; one submission).

Conditions:
Capillary malformation-arteriovenous malformation syndrome. Also called: Capillary malformation-arteriovenous malformation. Identifiers: Orphanet 137667, MedGen C1842180, MONDO:0012016.

Allele frequency attached by ClinVar (database versions not stated): gnomAD exomes below 0.00001; TOPMed below 0.00001; gnomAD 0.00001.
gnomAD v4.1: 2 of 1,612,760 alleles (0.00012%); highest among the groups gnomAD compares: East Asian, 0.0045%; no homozygotes.

Submission:

Labcorp Genetics (formerly Invitae), Labcorp
Classification: Uncertain significance for Capillary malformation-arteriovenous malformation syndrome. Last evaluated: 2025-07-20. Review status: criteria provided, single submitter. Criteria: Invitae Variant Classification Sherloc (09022015). Collection method: clinical testing. Allele origin: germline.
Comment: This sequence change replaces proline, which is neutral and non-polar, with alanine, which is neutral and non-polar, at codon 958 of the RASA1 protein (p.Pro958Ala). This variant is not present in population databases (gnomAD no frequency). This variant has not been reported in the literature in individuals affected with RASA1-related conditions. ClinVar contains an entry for this variant (Variation ID: 2797833). An algorithm developed to predict the effect of missense changes on protein structure and function (PolyPhen-2) suggests that this variant is likely to be disruptive. In summary, the available evidence is currently insufficient to determine the role of this variant in disease. Therefore, it has been classified as a Variant of Uncertain Significance.

NM_002890.3(RASA1):c.2872C>G (p.Pro958Ala)

Genes: CCNH (cyclin H; minus strand), RASA1 (RAS p21 protein activator 1; plus strand). Cytogenetic location: 5q14.3.
Variant type: single nucleotide variant.
Coding change: c.2872C>G on transcript NM_002890.3 (MANE Select); coding-DNA position 2872, C replaced by G.
Protein change: p.Pro958Ala; replaces proline 958 with alanine.
Molecular consequence: missense variant. On other transcripts: intron variant (1).
Genome position (GRCh38, 1-based): chr5:87,386,850, C>G. VCF-style: chr5-87386850-C-G. GRCh37 (hg19) VCF-style: chr5-86682667-C-G.
Other names: c.2341C>G, p.Pro781Ala (NM_022650.3); c.933+8194G>C (NM_001364075.2); short protein forms P781A, P958A.
Identifiers: ClinVar variation 2797833 (VCV002797833.3), dbSNP rs1313269518, ClinGen allele CA360386943.